The following is an entry in ClinVar:

NM_001267550.2(TTN):c.8609A>T (p.Gln2870Leu)

Gene: TTN (titin; minus strand). Cytogenetic location: 2q31.2.
Variant type: single nucleotide variant.
Coding change: c.8609A>T on transcript NM_001267550.2 (MANE Select); coding-DNA position 8609, A replaced by T.
Protein change: p.Gln2870Leu; replaces glutamine 2870 with leucine.
Molecular consequence: missense variant.
Genome position (GRCh38, 1-based): chr2:178,770,092, T>A on the plus strand (A>T on the coding strand, the complement: TTN is on the minus strand). VCF-style: chr2-178770092-T-A. GRCh37 (hg19) VCF-style: chr2-179634819-T-A.
Other names: c.8609A>T, p.Gln2870Leu (NM_133378.4, NM_001256850.1, NM_133379.5); c.8471A>T, p.Gln2824Leu (NM_003319.4, NM_133432.3, NM_133437.4); short protein forms Q2870L, Q2824L.
Identifiers: ClinVar variation 47534 (VCV000047534.5), dbSNP rs372008728, ClinGen allele CA141286.

ClinVar aggregate classification (germline): Uncertain significance (1 of 4 stars; one submission).

Allele frequency attached by ClinVar (database versions not stated): gnomAD exomes below 0.00001 and 0.00001; TOPMed below 0.00001; gnomAD 0.00001; ExAC 0.00002; ESP Exome Variant Server 0.00008.
gnomAD v4.1: 4 of 1,614,048 alleles (0.00025%); no homozygotes.

Submission:

Laboratory for Molecular Medicine, Mass General Brigham Personalized Medicine
Classification: Uncertain significance. Last evaluated: 2012-07-02. Review status: criteria provided, single submitter. Criteria: LMM Criteria. Collection method: clinical testing. Allele origin: germline. Observed: 2 variant alleles.
Comment: This variant h as not been identified in a very large and broad population by the NHLBI Exome S equencing Project. This low frequency is cons istent with a disease causing role, but insufficient to establish this with conf idence. Computational analyses (biochemical amino acid properties, conservation, AlignGVGD, PolyPhen2, and SIFT) do not provide strong support for or against an impact to the protein. Additional information is needed to fully assess the cli nical significance of the Gln2870Leu variant.